The following is an entry in ClinVar:

NM_182931.3(KMT2E):c.4133C>G (p.Pro1378Arg)

Gene: KMT2E (lysine methyltransferase 2E (inactive); plus strand). Cytogenetic location: 7q22.3.
Variant type: single nucleotide variant.
Coding change: c.4133C>G on transcript NM_182931.3 (MANE Select); coding-DNA position 4133, C replaced by G.
Protein change: p.Pro1378Arg; replaces proline 1378 with arginine.
Molecular consequence: missense variant.
Genome position (GRCh38, 1-based): chr7:105,111,889, C>G. VCF-style: chr7-105111889-C-G. GRCh37 (hg19) VCF-style: chr7-104752336-C-G.
Other names: c.4007C>G, p.Pro1336Arg (NM_001410908.1); c.4133C>G, p.Pro1378Arg (NM_018682.4); short protein forms P1378R, P1336R.
Identifiers: ClinVar variation 2728993 (VCV002728993.3), dbSNP rs769646583, ClinGen allele CA4424687.

ClinVar aggregate classification (germline): Uncertain significance (1 of 4 stars; one submission).

Allele frequency attached by ClinVar (database versions not stated): gnomAD exomes below 0.00001; ExAC 0.00001; gnomAD 0.00001; TOPMed 0.00001.
gnomAD v4.1: 3 of 1,613,992 alleles (0.00019%); highest among the groups gnomAD compares: Admixed American, 0.0033%; no homozygotes.

Submission:

Labcorp Genetics (formerly Invitae), Labcorp
Classification: Uncertain significance. Last evaluated: 2023-08-23. Review status: criteria provided, single submitter. Criteria: Invitae Variant Classification Sherloc (09022015). Collection method: clinical testing. Allele origin: germline.
Comment: Advanced modeling of protein sequence and biophysical properties (such as structural, functional, and spatial information, amino acid conservation, physicochemical variation, residue mobility, and thermodynamic stability) performed at Invitae indicates that this missense variant is not expected to disrupt KMT2E protein function. In summary, the available evidence is currently insufficient to determine the role of this variant in disease. Therefore, it has been classified as a Variant of Uncertain Significance. This variant has not been reported in the literature in individuals affected with KMT2E-related conditions. This sequence change replaces proline, which is neutral and non-polar, with arginine, which is basic and polar, at codon 1378 of the KMT2E protein (p.Pro1378Arg). This variant is present in population databases (rs769646583, gnomAD 0.003%).